The following is an entry in ClinVar:

ClinVar aggregate classification (germline): Likely benign (1 of 4 stars; one submission).

Allele frequency attached by ClinVar (database versions not stated): 1000 Genomes Project 0.00020; 1000 Genomes Project 30x 0.00031; gnomAD 0.00036; TOPMed 0.00043; gnomAD exomes 0.00046; ExAC 0.00047; ESP Exome Variant Server 0.00077.
gnomAD v4.1: 738 of 1,614,126 alleles (0.046%); highest among the groups gnomAD compares: Middle Eastern, 0.26%; 3 homozygotes.

Submission:

CeGaT Center for Human Genetics Tuebingen
Classification: Likely benign. Last evaluated: 2022-09-01. Review status: criteria provided, single submitter. Criteria: CeGaT Center For Human Genetics Tuebingen Variant Classification Criteria Version 2. Collection method: clinical testing. Allele origin: germline. Affected: yes. Observed: 1 variant allele.
Comment: SLFN5: BP4, BP7

NM_144975.4(SLFN5):c.747G>A (p.Thr249=)

Gene: SLFN5 (schlafen family member 5; plus strand). Cytogenetic location: 17q12.
Variant type: single nucleotide variant.
Coding change: c.747G>A on transcript NM_144975.4 (MANE Select); coding-DNA position 747, G replaced by A.
Protein change: p.Thr249=; no amino-acid change (threonine 249 retained).
Molecular consequence: synonymous variant.
Genome position (GRCh38, 1-based): chr17:35,259,437, G>A. VCF-style: chr17-35259437-G-A. GRCh37 (hg19) VCF-style: chr17-33586456-G-A.
Other names: c.747G>A, p.Thr249= (NM_001330183.2).
Identifiers: ClinVar variation 2647665 (VCV002647665.24), dbSNP rs138492925, ClinGen allele CA8502062.